The following is an entry in ClinVar:

ClinVar aggregate classification (germline): Uncertain significance (1 of 4 stars; one submission).

Conditions:
Focal segmental glomerulosclerosis 7 (FSGS7). Identifiers: Orphanet 656, MedGen C4014925, MONDO:0014451, OMIM 616002.
Renal coloboma syndrome (PAPRS). Also called: COLOBOMA OF OPTIC NERVE WITH RENAL DISEASE; OPTIC COLOBOMA, VESICOURETERAL REFLUX, AND RENAL ANOMALIES; OPTIC NERVE COLOBOMA WITH RENAL DISEASE; PAPILLORENAL SYNDROME; RENAL-COLOBOMA SYNDROME WITH MACULAR ABNORMALITIES; PAPILLORENAL SYNDROME WITH MILD OCULAR ABNORMALITIES. Identifiers: Orphanet 1475, MedGen C1852759, MONDO:0007352, OMIM 120330.

gnomAD v4.1: 15 of 1,611,330 alleles (0.00093%); highest among the groups gnomAD compares: South Asian, 0.0022%; no homozygotes.

Submission:

Labcorp Genetics (formerly Invitae), Labcorp
Classification: Uncertain significance for Renal coloboma syndrome; Focal segmental glomerulosclerosis 7. Last evaluated: 2025-03-01. Review status: criteria provided, single submitter. Criteria: Invitae Variant Classification Sherloc (09022015). Collection method: clinical testing. Allele origin: germline.
Comment: This sequence change replaces proline, which is neutral and non-polar, with histidine, which is basic and polar, at codon 320 of the PAX2 protein (p.Pro320His). This variant is present in population databases (rs747966683, gnomAD 0.003%). This variant has not been reported in the literature in individuals affected with PAX2-related conditions. An algorithm developed to predict the effect of missense changes on protein structure and function (PolyPhen-2) suggests that this variant is likely to be disruptive. In summary, the available evidence is currently insufficient to determine the role of this variant in disease. Therefore, it has been classified as a Variant of Uncertain Significance.

NM_000278.5(PAX2):c.959C>A (p.Pro320His)

Gene: PAX2 (paired box 2; plus strand). Cytogenetic location: 10q24.31.
Variant type: single nucleotide variant.
Coding change: c.959C>A on transcript NM_000278.5 (MANE Select); coding-DNA position 959, C replaced by A.
Protein change: p.Pro320His; replaces proline 320 with histidine.
Molecular consequence: missense variant.
Genome position (GRCh38, 1-based): chr10:100,824,687, C>A. VCF-style: chr10-100824687-C-A. GRCh37 (hg19) VCF-style: chr10-102584444-C-A.
Other names: c.1052C>A, p.Pro351His (NM_001304569.2); c.1028C>A, p.Pro343His (NM_003987.5, NM_003990.5); c.959C>A, p.Pro320His (NM_003988.5, NM_003989.5); short protein forms P320H, P343H, P351H.
Identifiers: ClinVar variation 4793656 (VCV004793656.1).